The following is an entry in ClinVar:

ClinVar aggregate classification (germline): Uncertain significance. Review status: criteria provided, multiple submitters, no conflicts (2 of 4 stars). 2 submissions from 2 submitters: Uncertain significance (2). Last evaluated 2026-05-13.

Conditions:
Hereditary cancer-predisposing syndrome. Also called: Tumor predisposition; Hereditary Cancer Syndrome; Hereditary neoplastic syndrome; Neoplastic Syndromes, Hereditary. Identifiers: Orphanet 140162, MedGen C0027672, MeSH D009386, MONDO:0015356.
Neuroblastoma, susceptibility to, 3. Also called: ALK-Related Neuroblastic Tumor Susceptibility. Identifiers: Orphanet 635, MedGen C2751681, MONDO:0013083, OMIM 613014.

gnomAD v4.1: 1 of 1,598,526 alleles (0.000063%); highest among the groups gnomAD compares: Admixed American, 0.0017%; no homozygotes.

Submissions (2):

Ambry Genetics
Classification: Uncertain significance for Hereditary cancer-predisposing syndrome. Last evaluated: 2026-05-13. Review status: criteria provided, single submitter. Criteria: Ambry Variant Classification Scheme 2023. Collection method: clinical testing. Allele origin: germline.
Comment: The p.R133S variant (also known as c.397C>A), located in coding exon 1 of the ALK gene, results from a C to A substitution at nucleotide position 397. The arginine at codon 133 is replaced by serine, an amino acid with dissimilar properties. This amino acid position is well conserved in available vertebrate species. In addition, this alteration is predicted to be deleterious by in silico analysis. Based on the available evidence, the clinical significance of this variant remains unclear.

Labcorp Genetics (formerly Invitae), Labcorp
Classification: Uncertain significance for Neuroblastoma, susceptibility to, 3. Last evaluated: 2024-07-18. Review status: criteria provided, single submitter. Criteria: Invitae Variant Classification Sherloc (09022015). Collection method: clinical testing. Allele origin: germline.
Comment: This sequence change replaces arginine, which is basic and polar, with serine, which is neutral and polar, at codon 133 of the ALK protein (p.Arg133Ser). This variant is not present in population databases (gnomAD no frequency). This variant has not been reported in the literature in individuals affected with ALK-related conditions. ClinVar contains an entry for this variant (Variation ID: 2153191). An algorithm developed to predict the effect of missense changes on protein structure and function (PolyPhen-2) suggests that this variant is likely to be disruptive. In summary, the available evidence is currently insufficient to determine the role of this variant in disease. Therefore, it has been classified as a Variant of Uncertain Significance.

NM_004304.5(ALK):c.397C>A (p.Arg133Ser)

Gene: ALK (ALK receptor tyrosine kinase; minus strand). Cytogenetic location: 2p23.1.
Variant type: single nucleotide variant.
Coding change: c.397C>A on transcript NM_004304.5 (MANE Select); coding-DNA position 397, C replaced by A.
Protein change: p.Arg133Ser; replaces arginine 133 with serine.
Molecular consequence: missense variant.
Genome position (GRCh38, 1-based): chr2:29,920,263, G>T on the plus strand (C>A on the coding strand, the complement: ALK is on the minus strand). VCF-style: chr2-29920263-G-T. GRCh37 (hg19) VCF-style: chr2-30143129-G-T.
Other names: c.397C>A (NM_004304.4); short protein forms R133S.
Identifiers: ClinVar variation 2153191 (VCV002153191.5), dbSNP rs775940832, ClinGen allele CA346590126.
Genomic context (GRCh38, chr2:29,920,263, plus strand): 5'-CCTCCAAGATCGCCTCCTCGCCCAGCTCCAGCACCAACTGCTTGGCACGCCGGAGCTTGC[G>T]CACGGAGCCGCCCTTCAGCACCCTGGACAGCGTCCGGGCCTCTGCCGGGGCTGGTGAACC-3'
Protein context (NP_004295.2, residues 123-143): LSRVLKGGSV[Arg133Ser]KLRRAKQLVL